The following is an entry in ClinVar:

ClinVar aggregate classification (germline): Uncertain significance (1 of 4 stars; one submission).

Conditions:
SPTBN1-related disorder. Also called: SPTBN1-related condition.

Submission:

PreventionGenetics, part of Exact Sciences
Classification: Uncertain significance for SPTBN1-related condition. Last evaluated: 2023-01-28. Review status: criteria provided, single submitter. Criteria: ACMG Guidelines, 2015. Collection method: clinical testing. Allele origin: germline.
Comment: The SPTBN1 c.5123A>T variant is predicted to result in the amino acid substitution p.Asp1708Val. To our knowledge, this variant has not been reported in the literature or in a large population database, indicating this variant is rare. At this time, the clinical significance of this variant is uncertain due to the absence of conclusive functional and genetic evidence.

NM_003128.3(SPTBN1):c.5123A>T (p.Asp1708Val)

Gene: SPTBN1 (spectrin beta, non-erythrocytic 1; plus strand). Cytogenetic location: 2p16.2.
Variant type: single nucleotide variant.
Coding change: c.5123A>T on transcript NM_003128.3 (MANE Select); coding-DNA position 5123, A replaced by T.
Protein change: p.Asp1708Val; replaces aspartic acid 1708 with valine.
Molecular consequence: missense variant.
Genome position (GRCh38, 1-based): chr2:54,649,111, A>T. VCF-style: chr2-54649111-A-T. GRCh37 (hg19) VCF-style: chr2-54876248-A-T.
Other names: c.5084A>T, p.Asp1695Val (NM_178313.3); short protein forms D1695V, D1708V.
Identifiers: ClinVar variation 2631280 (VCV002631280.1), dbSNP rs2549561644, ClinGen allele CA346906511.
Genomic context (GRCh38, chr2:54,649,111, plus strand): 5'-AAGAGAGAAGAGGCAAGCTGGATGAGAGACACAGGTTATTCCAGCTCAACCGGGAGGTGG[A>T]CGACCTGGAGCAGTGGATCGCTGAGAGGGAGGTGGTCGCAGGGTCCCATGAACTGGGACA-3'
Protein context (NP_003119.2, residues 1698-1718): HRLFQLNREV[Asp1708Val]DLEQWIAERE